The following is an entry in ClinVar:

NM_005529.7(HSPG2):c.6302G>A (p.Arg2101His)

Gene: HSPG2 (heparan sulfate proteoglycan 2; minus strand). Cytogenetic location: 1p36.12.
Variant type: single nucleotide variant.
Coding change: c.6302G>A on transcript NM_005529.7 (MANE Select); coding-DNA position 6302, G replaced by A.
Protein change: p.Arg2101His; replaces arginine 2101 with histidine.
Molecular consequence: missense variant.
Genome position (GRCh38, 1-based): chr1:21,854,330, C>T on the plus strand (G>A on the coding strand, the complement: HSPG2 is on the minus strand). VCF-style: chr1-21854330-C-T. GRCh37 (hg19) VCF-style: chr1-22180823-C-T.
Other names: c.6305G>A, p.Arg2102His (NM_001291860.2); short protein forms R2101H, R2102H.
Identifiers: ClinVar variation 1446733 (VCV001446733.8), dbSNP rs369444110, ClinGen allele CA671595.
Genomic context (GRCh38, chr1:21,854,330, plus strand): 5'-TTCTCCACACGGCACACATATTCTCCAGAATCAGCTGGTGAGACCTGGGGGAGCCGCAGA[C>T]GGGAGCCGTGCACCTGGGCCAGGAGGAGCCAGAGGTACGTGAGGACAGGGACGGGGGCTA-3'
Protein context (NP_005520.4, residues 2091-2111): LPPHTQVHGS[Arg2101His]LRLPQVSPAD

ClinVar aggregate classification (germline): Uncertain significance (1 of 4 stars; one submission).

Allele frequency attached by ClinVar (database versions not stated): TOPMed 0.00005; ExAC 0.00018; 1000 Genomes Project 0.00040; ESP Exome Variant Server 0.00008; 1000 Genomes Project 30x 0.00047.
gnomAD v4.1: 51 of 1,570,128 alleles (0.0032%); highest among the groups gnomAD compares: Middle Eastern, 0.018%; no homozygotes.

Submission:

Labcorp Genetics (formerly Invitae), Labcorp
Classification: Uncertain significance. Last evaluated: 2023-07-07. Review status: criteria provided, single submitter. Criteria: Invitae Variant Classification Sherloc (09022015). Collection method: clinical testing. Allele origin: germline.
Comment: The frequency data for this variant in the population databases is considered unreliable, as metrics indicate poor data quality at this position in the gnomAD database. In summary, the available evidence is currently insufficient to determine the role of this variant in disease. Therefore, it has been classified as a Variant of Uncertain Significance. An algorithm developed to predict the effect of missense changes on protein structure and function (PolyPhen-2) suggests that this variant¬†is likely to be tolerated. ClinVar contains an entry for this variant (Variation ID: 1446733). This variant has not been reported in the literature in individuals affected with HSPG2-related conditions. This sequence change replaces arginine, which is basic and polar, with histidine, which is basic and polar, at codon 2101 of the HSPG2 protein (p.Arg2101His).